The following is an entry in ClinVar:

NM_001046.3(SLC12A2):c.376A>T (p.Ser126Cys)

Gene: SLC12A2 (solute carrier family 12 member 2; plus strand). Cytogenetic location: 5q23.3.
Variant type: single nucleotide variant.
Coding change: c.376A>T on transcript NM_001046.3 (MANE Select); coding-DNA position 376, A replaced by T.
Protein change: p.Ser126Cys; replaces serine 126 with cysteine.
Molecular consequence: missense variant. On other transcripts: non-coding transcript variant (1).
Genome position (GRCh38, 1-based): chr5:128,084,330, A>T. VCF-style: chr5-128084330-A-T. GRCh37 (hg19) VCF-style: chr5-127420022-A-T.
Other names: c.376A>T, p.Ser126Cys (NM_001256461.2); c.376A>T (NM_001046.2); short protein forms S126C.
Identifiers: ClinVar variation 2156078 (VCV002156078.7), dbSNP rs757696233, ClinGen allele CA3392780.

ClinVar aggregate classification (germline): Uncertain significance. Review status: criteria provided, multiple submitters, no conflicts (2 of 4 stars). 3 submissions from 3 submitters: Uncertain significance (3). Last evaluated 2025-10-18.

Conditions:
Delpire-McNeill syndrome. Also called: SLC12A2-related autosomal dominant infantile-developmental delay-intellectual disability-sensorineural deafness syndrome. Identifiers: Orphanet 633024, MedGen C5436771, MONDO:0033667, OMIM 619083.
Kilquist syndrome (KILQS). Also called: SLC12A2-related autosomal recessive neonatal-developmental delay-intellectual disability-feeding difficulty-sensorineural deafness syndrome. Identifiers: Orphanet 633021, MedGen C5436756, MONDO:0033664, OMIM 619080.
Hearing loss, autosomal dominant 78. Also called: DEAFNESS, AUTOSOMAL DOMINANT 78. Identifiers: MedGen C5436768, MONDO:0033665, OMIM 619081.
Inborn genetic diseases. Identifiers: MedGen C0950123, MeSH D030342.

Allele frequency attached by ClinVar (database versions not stated): ExAC 0.00020.
gnomAD v4.1: 335 of 1,566,946 alleles (0.021%); highest among the groups gnomAD compares: Non-Finnish European, 0.028%; no homozygotes.

Submissions (3):

Ambry Genetics
Classification: Uncertain significance for Inborn genetic diseases. Last evaluated: 2025-10-18. Review status: criteria provided, single submitter. Criteria: Ambry Variant Classification Scheme 2023. Collection method: clinical testing. Allele origin: germline.

Labcorp Genetics (formerly Invitae), Labcorp
Classification: Uncertain significance. Last evaluated: 2025-08-13. Review status: criteria provided, single submitter. Criteria: Invitae Variant Classification Sherloc (09022015). Collection method: clinical testing. Allele origin: germline.
Comment: This sequence change replaces serine, which is neutral and polar, with cysteine, which is neutral and slightly polar, at codon 126 of the SLC12A2 protein (p.Ser126Cys). The frequency data for this variant in the population databases is considered unreliable, as metrics indicate poor data quality at this position in the gnomAD database. This variant has not been reported in the literature in individuals affected with SLC12A2-related conditions. ClinVar contains an entry for this variant (Variation ID: 2156078). Invitae Evidence Modeling of protein sequence and biophysical properties (such as structural, functional, and spatial information, amino acid conservation, physicochemical variation, residue mobility, and thermodynamic stability) indicates that this missense variant is not expected to disrupt SLC12A2 protein function with a negative predictive value of 95%. In summary, the available evidence is currently insufficient to determine the role of this variant in disease. Therefore, it has been classified as a Variant of Uncertain Significance.

Department of Pathology and Laboratory Medicine, Sinai Health System
Classification: Uncertain significance for Kilquist syndrome; Hearing loss, autosomal dominant 78; Delpire-McNeill syndrome. Last evaluated: 2022-08-02. Review status: criteria provided, single submitter. Criteria: ACMG Guidelines, 2015. Collection method: research. Allele origin: germline.